The following is an entry in ClinVar:

ClinVar aggregate classification (germline): Uncertain significance (1 of 4 stars; one submission).

gnomAD v4.1: 27 of 1,203,929 alleles (0.0022%); highest among the groups gnomAD compares: African/African-American, 0.0035%; no homozygotes.

Submission:

Ambry Genetics
Classification: Uncertain significance. Last evaluated: 2026-07-29. Review status: criteria provided, single submitter. Criteria: Ambry Variant Classification Scheme 2023. Collection method: clinical testing. Allele origin: germline.
Comment: The c.821G>A (p.R274H) alteration is located in exon 3 (coding exon 1) of the CXorf21 gene. This alteration results from a G to A substitution at nucleotide position 821, causing the arginine (R) at amino acid position 274 to be replaced by a histidine (H). Based on data from gnomAD, the A allele has an overall frequency of 0.003% (6/181398) total alleles studied. The highest observed frequency was 0.022% (1/4473) of Other alleles. Based on insufficient or conflicting evidence, the clinical significance of this alteration remains unclear.

NM_025159.3(TASL):c.821G>A (p.Arg274His)

Gene: TASL (TLR adaptor interacting with endolysosomal SLC15A4; minus strand). Cytogenetic location: Xp21.2.
Variant type: single nucleotide variant.
Coding change: c.821G>A on transcript NM_025159.3 (MANE Select); coding-DNA position 821, G replaced by A.
Protein change: p.Arg274His; replaces arginine 274 with histidine.
Molecular consequence: missense variant.
Genome position (GRCh38, 1-based): chrX:30,559,535, C>T on the plus strand (G>A on the coding strand, the complement: TASL is on the minus strand). VCF-style: chrX-30559535-C-T. GRCh37 (hg19) VCF-style: chrX-30577652-C-T.
Other names: short protein forms R274H.
Identifiers: ClinVar variation 5030509 (VCV005030509.1).
Genomic context (GRCh38, chrX:30,559,535, plus strand): 5'-GAAATATGGAGACTAGGAGTGCTAATTTCAGTAATTTCAGTTGACATCAATTGCAATAGG[C>T]GGCTAAAGACTATATCTCTGGCTTTTGAGGTCTCCAGATTCTTCTCTCTAGACACTTGAA-3'
Protein context (NP_079435.1, residues 264-284): TSKARDIVFS[Arg274His]LLQLMSTEIT